The following is an entry in ClinVar:

ClinVar aggregate classification (germline): Uncertain significance. Review status: criteria provided, multiple submitters, no conflicts (2 of 4 stars). 4 submissions from 4 submitters: Uncertain significance (4). Last evaluated 2025-05-15.

Conditions:
Endometrial carcinoma. Also called: Endometrial carcinoma, somatic. Identifiers: MedGen C0476089, MONDO:0002447, OMIM 608089, HP:0012114.
Lynch syndrome 5 (LYNCH5). Also called: Hereditary non-polyposis colorectal cancer, type 5; Colorectal cancer, hereditary nonpolyposis, type 5. Identifiers: Orphanet 144, MedGen C1833477, MONDO:0013710, OMIM 614350. Disease mechanism: loss of function.
Mismatch repair cancer syndrome 3. Identifiers: MedGen C5436807, MONDO:0030841, OMIM 619097.
Hereditary nonpolyposis colorectal neoplasms. Identifiers: MedGen C0009405, MeSH D003123.
Hereditary cancer-predisposing syndrome. Also called: Hereditary Cancer Syndrome; Hereditary neoplastic syndrome; Neoplastic Syndromes, Hereditary; Tumor predisposition. Identifiers: Orphanet 140162, MedGen C0027672, MeSH D009386, MONDO:0015356.

Submissions (4):

Labcorp Genetics (formerly Invitae), Labcorp
Classification: Uncertain significance for Hereditary nonpolyposis colorectal neoplasms. Last evaluated: 2025-05-15. Review status: criteria provided, single submitter. Criteria: Invitae Variant Classification Sherloc (09022015). Collection method: clinical testing. Allele origin: germline.
Comment: This sequence change replaces glutamic acid, which is acidic and polar, with aspartic acid, which is acidic and polar, at codon 847 of the MSH6 protein (p.Glu847Asp). This variant is not present in population databases (gnomAD no frequency). This variant has not been reported in the literature in individuals affected with MSH6-related conditions. ClinVar contains an entry for this variant (Variation ID: 455206). Invitae Evidence Modeling of protein sequence and biophysical properties (such as structural, functional, and spatial information, amino acid conservation, physicochemical variation, residue mobility, and thermodynamic stability) indicates that this missense variant is not expected to disrupt MSH6 protein function with a negative predictive value of 95%. In summary, the available evidence is currently insufficient to determine the role of this variant in disease. Therefore, it has been classified as a Variant of Uncertain Significance.

Department of Pathology and Laboratory Medicine, Sinai Health System
Classification: Uncertain significance for Endometrial carcinoma; Lynch syndrome 5; Mismatch repair cancer syndrome 3. Last evaluated: 2024-07-22. Review status: criteria provided, single submitter. Criteria: ACMG Guidelines, 2015. Collection method: clinical testing. Allele origin: germline.

Ambry Genetics
Classification: Uncertain significance for Hereditary cancer-predisposing syndrome. Last evaluated: 2024-04-05. Review status: criteria provided, single submitter. Criteria: Ambry Variant Classification Scheme 2023. Collection method: clinical testing. Allele origin: germline.
Comment: The p.E847D variant (also known as c.2541A>T), located in coding exon 4 of the MSH6 gene, results from an A to T substitution at nucleotide position 2541. The glutamic acid at codon 847 is replaced by aspartic acid, an amino acid with highly similar properties. This amino acid position is conserved. In addition, the in silico prediction for this alteration is inconclusive. Since supporting evidence is limited at this time, the clinical significance of this alteration remains unclear.

Women's Health and Genetics/Laboratory Corporation of America, LabCorp
Classification: Uncertain significance. Last evaluated: 2022-01-26. Review status: criteria provided, single submitter. Criteria: LabCorp Variant Classification Summary - May 2015. Collection method: clinical testing. Allele origin: germline.

NM_000179.3(MSH6):c.2541A>T (p.Glu847Asp)

Gene: MSH6 (mutS homolog 6; plus strand). Cytogenetic location: 2p16.3.
Variant type: single nucleotide variant.
Coding change: c.2541A>T on transcript NM_000179.3 (MANE Select); coding-DNA position 2541, A replaced by T.
Protein change: p.Glu847Asp; replaces glutamic acid 847 with aspartic acid.
Molecular consequence: missense variant.
Genome position (GRCh38, 1-based): chr2:47,800,524, A>T. VCF-style: chr2-47800524-A-T. GRCh37 (hg19) VCF-style: chr2-48027663-A-T.
Other names: c.2151A>T, p.Glu717Asp (NM_001281492.2); c.1635A>T, p.Glu545Asp (NM_001281493.2, NM_001281494.2); short protein forms E847D, E545D, E717D.
Identifiers: ClinVar variation 455206 (VCV000455206.14), dbSNP rs1553413887, ClinGen allele CA346754531.
Genomic context (GRCh38, chr2:47,800,524, plus strand): 5'-TGTTGGGTCTCCCCTGAAGAGTCAGAACCACCCAGACAGCAGGGCTATAATGTATGAAGA[A>T]ACTACATACAGCAAGAAGAAGATTATTGATTTTCTTTCTGCTCTGGAAGGATTCAAAGTA-3'
Protein context (NP_000170.1, residues 837-857): HPDSRAIMYE[Glu847Asp]TTYSKKKIID